The following is an entry in ClinVar:

ClinVar aggregate classification (germline): Uncertain significance. Review status: criteria provided, multiple submitters, no conflicts (2 of 4 stars). 2 submissions from 2 submitters: Uncertain significance (2). Last evaluated 2024-12-02.

Conditions:
Inborn genetic diseases. Identifiers: MedGen C0950123, MeSH D030342.

Allele frequency attached by ClinVar (database versions not stated): gnomAD exomes 0.00001; ExAC 0.00003; TOPMed 0.00008; gnomAD 0.00010.
gnomAD v4.1: 25 of 1,607,586 alleles (0.0016%); highest among the groups gnomAD compares: African/African-American, 0.032%; no homozygotes.

Submissions (2):

Labcorp Genetics (formerly Invitae), Labcorp
Classification: Uncertain significance. Last evaluated: 2024-12-02. Review status: criteria provided, single submitter. Criteria: Invitae Variant Classification Sherloc (09022015). Collection method: clinical testing. Allele origin: germline.
Comment: This sequence change replaces lysine, which is basic and polar, with glutamic acid, which is acidic and polar, at codon 3630 of the VPS13D protein (p.Lys3630Glu). This variant is present in population databases (rs750186147, gnomAD 0.03%). This variant has not been reported in the literature in individuals affected with VPS13D-related conditions. ClinVar contains an entry for this variant (Variation ID: 2190784). Invitae Evidence Modeling of protein sequence and biophysical properties (such as structural, functional, and spatial information, amino acid conservation, physicochemical variation, residue mobility, and thermodynamic stability) indicates that this missense variant is not expected to disrupt VPS13D protein function with a negative predictive value of 80%. In summary, the available evidence is currently insufficient to determine the role of this variant in disease. Therefore, it has been classified as a Variant of Uncertain Significance.

Ambry Genetics
Classification: Uncertain significance for Inborn genetic diseases. Last evaluated: 2024-10-21. Review status: criteria provided, single submitter. Criteria: Ambry Variant Classification Scheme 2023. Collection method: clinical testing. Allele origin: germline.

NM_015378.4(VPS13D):c.10888A>G (p.Lys3630Glu)

Gene: VPS13D (vacuolar protein sorting 13 homolog D; plus strand). Cytogenetic location: 1p36.22.
Variant type: single nucleotide variant.
Coding change: c.10888A>G on transcript NM_015378.4 (MANE Select); coding-DNA position 10888, A replaced by G.
Protein change: p.Lys3630Glu; replaces lysine 3630 with glutamic acid.
Molecular consequence: missense variant.
Genome position (GRCh38, 1-based): chr1:12,373,829, A>G. VCF-style: chr1-12373829-A-G. GRCh37 (hg19) VCF-style: chr1-12433884-A-G.
Other names: c.10813A>G, p.Lys3605Glu (NM_018156.4); c.10888A>G (NM_015378.2); short protein forms K3630E, K3605E.
Identifiers: ClinVar variation 2190784 (VCV002190784.5), dbSNP rs750186147, ClinGen allele CA603807.